The following is an entry in ClinVar:

ClinVar aggregate classification (germline): Uncertain significance (1 of 4 stars; one submission).

Conditions:
Hypertrophic cardiomyopathy. Also called: HYPERTROPHIC MYOCARDIOPATHY. Identifiers: Orphanet 217569, MedGen C0007194, MeSH D002312, MONDO:0005045, HP:0001639.

gnomAD v4.1: 2 of 1,613,974 alleles (0.00012%); highest among the groups gnomAD compares: East Asian, 0.0045%; no homozygotes.

Submission:

Labcorp Genetics (formerly Invitae), Labcorp
Classification: Uncertain significance for Hypertrophic cardiomyopathy. Last evaluated: 2025-10-29. Review status: criteria provided, single submitter. Criteria: Invitae Variant Classification Sherloc (09022015). Collection method: clinical testing. Allele origin: germline.
Comment: This sequence change replaces proline, which is neutral and non-polar, with arginine, which is basic and polar, at codon 109 of the MYOZ2 protein (p.Pro109Arg). This variant is not present in population databases (gnomAD no frequency). This variant has not been reported in the literature in individuals affected with MYOZ2-related conditions. Invitae Evidence Modeling of protein sequence and biophysical properties (such as structural, functional, and spatial information, amino acid conservation, physicochemical variation, residue mobility, and thermodynamic stability) indicates that this missense variant is not expected to disrupt MYOZ2 protein function with a negative predictive value of 80%. In summary, the available evidence is currently insufficient to determine the role of this variant in disease. Therefore, it has been classified as a Variant of Uncertain Significance.

NM_016599.5(MYOZ2):c.326C>G (p.Pro109Arg)

Gene: MYOZ2 (myozenin 2; plus strand). Cytogenetic location: 4q26.
Variant type: single nucleotide variant.
Coding change: c.326C>G on transcript NM_016599.5 (MANE Select); coding-DNA position 326, C replaced by G.
Protein change: p.Pro109Arg; replaces proline 109 with arginine.
Molecular consequence: missense variant.
Genome position (GRCh38, 1-based): chr4:119,158,101, C>G. VCF-style: chr4-119158101-C-G. GRCh37 (hg19) VCF-style: chr4-120079256-C-G.
Other names: c.326C>G, p.Pro109Arg (NM_001440645.1, NM_001440646.1); short protein forms P109R.
Identifiers: ClinVar variation 4776701 (VCV004776701.1).
Genomic context (GRCh38, chr4:119,158,101, plus strand): 5'-ATGGGAAAGTGGATGGAAGTAACTTGGAAGGTGGTTCGCAGCAAGCCCCCTTGACTCCTC[C>G]CAACACCCCAGATCCACGAAGCCCTCCAAATCCAGACAACATTGCTCCAGGTAACCAATC-3'
Protein context (NP_057683.1, residues 99-119): GGSQQAPLTP[Pro109Arg]NTPDPRSPPN